The following is an entry in ClinVar:

ClinVar aggregate classification (germline): Uncertain significance (1 of 4 stars; one submission).

Conditions:
Chuvash polycythemia. Also called: POLYCYTHEMIA, VHL-DEPENDENT. Identifiers: Orphanet 238557, MedGen C1837915, MONDO:0009892, OMIM 263400.
Von Hippel-Lindau syndrome (VHLS). Also called: Von Hippel-Lindau; von Hippel–Lindau syndrome; VHL syndrome. Identifiers: Orphanet 892, MedGen C0019562, MONDO:0008667, OMIM 193300. Disease mechanism: loss of function.

Submission:

Labcorp Genetics (formerly Invitae), Labcorp
Classification: Uncertain significance for Von Hippel-Lindau syndrome; Chuvash polycythemia. Last evaluated: 2022-04-30. Review status: criteria provided, single submitter. Criteria: Invitae Variant Classification Sherloc (09022015). Collection method: clinical testing. Allele origin: germline.
Comment: This variant has not been reported in the literature in individuals affected with VHL-related conditions. This variant is not present in population databases (gnomAD no frequency). This variant, c.33_38dup, results in the insertion of 2 amino acid(s) of the VHL protein (p.Glu12_Val13dup), but otherwise preserves the integrity of the reading frame. Experimental studies and prediction algorithms are not available or were not evaluated, and the functional significance of this variant is currently unknown. In summary, the available evidence is currently insufficient to determine the role of this variant in disease. Therefore, it has been classified as a Variant of Uncertain Significance.

NM_000551.4(VHL):c.33_38dup (p.Val13_Gly14insGluVal)

Gene: VHL (von Hippel-Lindau tumor suppressor; plus strand). Cytogenetic location: 3p25.3.
Variant type: Duplication.
Coding change: c.33_38dup on transcript NM_000551.4 (MANE Select); coding-DNA positions 33 to 38, 6 bases duplicated (CGAGGT; older notation c.33_38dupCGAGGT).
Protein change: p.Val13_Gly14insGluVal.
Molecular consequence: inframe insertion.
Genome position (GRCh38, 1-based): chr3:10,141,880-10,141,885, CGAGGT duplicated. VCF-style (leftmost placement, unchanged base first): chr3-10141879-C-CCGAGGT. GRCh37 (hg19) VCF-style: chr3-10183563-C-CCGAGGT.
Other names: c.33_38dup, p.Val13_Gly14insGluVal (NM_001354723.2, NM_198156.3).
Identifiers: ClinVar variation 2125302 (VCV002125302.4), dbSNP rs2470157107, ClinGen allele CA2580068384.